The following is an entry in ClinVar:

ClinVar aggregate classification (germline): Uncertain significance (1 of 4 stars; one submission).

Submission:

Labcorp Genetics (formerly Invitae), Labcorp
Classification: Uncertain significance. Last evaluated: 2025-05-16. Review status: criteria provided, single submitter. Criteria: Invitae Variant Classification Sherloc (09022015). Collection method: clinical testing. Allele origin: germline.
Comment: This sequence change replaces methionine, which is neutral and non-polar, with valine, which is neutral and non-polar, at codon 1025 of the SON protein (p.Met1025Val). This variant is not present in population databases (gnomAD no frequency). This variant has not been reported in the literature in individuals affected with SON-related conditions. An algorithm developed to predict the effect of missense changes on protein structure and function (PolyPhen-2) suggests that this variant is likely to be disruptive. In summary, the available evidence is currently insufficient to determine the role of this variant in disease. Therefore, it has been classified as a Variant of Uncertain Significance.

NM_138927.4(SON):c.3073A>G (p.Met1025Val)

Gene: SON (SON DNA and RNA binding protein; plus strand). Cytogenetic location: 21q22.11.
Variant type: single nucleotide variant.
Coding change: c.3073A>G on transcript NM_138927.4 (MANE Select); coding-DNA position 3073, A replaced by G.
Protein change: p.Met1025Val; replaces methionine 1025 with valine.
Molecular consequence: missense variant. On other transcripts: non-coding transcript variant (1), intron variant (1).
Genome position (GRCh38, 1-based): chr21:33,552,304, A>G. VCF-style: chr21-33552304-A-G. GRCh37 (hg19) VCF-style: chr21-34924610-A-G.
Other names: c.3073A>G, p.Met1025Val (NM_001291411.2, NM_032195.3); c.245-4852A>G (NM_001291412.3); short protein forms M1025V.
Identifiers: ClinVar variation 4719546 (VCV004719546.1).